The following is an entry in ClinVar:

NM_001385875.1(ZFYVE27):c.341G>A (p.Arg114Gln)

Gene: ZFYVE27 (zinc finger FYVE-type containing 27; plus strand). Cytogenetic location: 10q24.2.
Variant type: single nucleotide variant.
Coding change: c.341G>A on transcript NM_001385875.1 (MANE Select); coding-DNA position 341, G replaced by A.
Protein change: p.Arg114Gln; replaces arginine 114 with glutamine.
Molecular consequence: missense variant. On other transcripts: non-coding transcript variant (15), intron variant (9).
Genome position (GRCh38, 1-based): chr10:97,744,801, G>A. VCF-style: chr10-97744801-G-A. GRCh37 (hg19) VCF-style: chr10-99504558-G-A.
Other names: c.341G>A, p.Arg114Gln (NM_001002261.4, NM_001002262.4, NM_001385871.1 and 10 more transcripts); c.245G>A, p.Arg82Gln (NM_001174119.2, NM_001385885.1, NM_001385887.1 and 1 more transcripts); c.47G>A, p.Arg16Gln (NM_001174121.2, NM_001385915.1); c.380G>A, p.Arg127Gln (NM_001385876.1); c.305G>A, p.Arg102Gln (NM_001385881.1); c.137G>A, p.Arg46Gln (NM_001385890.1, NM_001385891.1, NM_001385892.1 and 6 more transcripts); c.104G>A, p.Arg35Gln (NM_001385899.1, NM_001385900.1, NM_001385903.1 and 4 more transcripts); c.198-3468G>A (NM_001385902.1, NM_001385908.1, NM_001385901.1 and 3 more transcripts); and 3 more; short protein forms R46Q, R102Q, R114Q, R16Q, R35Q, R127Q, R82Q.
Identifiers: ClinVar variation 2158432 (VCV002158432.5), dbSNP rs368586141, ClinGen allele CA5635140.

ClinVar aggregate classification (germline): Uncertain significance. Review status: criteria provided, multiple submitters, no conflicts (2 of 4 stars). 2 submissions from 2 submitters: Uncertain significance (2). Last evaluated 2024-10-03.

Conditions:
Spastic paraplegia. Identifiers: MedGen C0037772, HP:0001258.

Allele frequency attached by ClinVar (database versions not stated): ExAC 0.00001; TOPMed 0.00002; gnomAD 0.00003; ESP Exome Variant Server 0.00015.
gnomAD v4.1: 28 of 1,613,910 alleles (0.0017%); highest among the groups gnomAD compares: Middle Eastern, 0.017%; no homozygotes.

Submissions (2):

Ambry Genetics
Classification: Uncertain significance. Last evaluated: 2024-10-03. Review status: criteria provided, single submitter. Criteria: Ambry Variant Classification Scheme 2023. Collection method: clinical testing. Allele origin: germline.

Labcorp Genetics (formerly Invitae), Labcorp
Classification: Uncertain significance for Spastic paraplegia. Last evaluated: 2022-10-18. Review status: criteria provided, single submitter. Criteria: Invitae Variant Classification Sherloc (09022015). Collection method: clinical testing. Allele origin: germline.
Comment: This sequence change replaces arginine, which is basic and polar, with glutamine, which is neutral and polar, at codon 114 of the ZFYVE27 protein (p.Arg114Gln). This variant is present in population databases (rs368586141, gnomAD 0.003%). This variant has not been reported in the literature in individuals affected with ZFYVE27-related conditions. Algorithms developed to predict the effect of missense changes on protein structure and function are either unavailable or do not agree on the potential impact of this missense change (SIFT: "Deleterious"; PolyPhen-2: "Benign"; Align-GVGD: "Class C0"). In summary, the available evidence is currently insufficient to determine the role of this variant in disease. Therefore, it has been classified as a Variant of Uncertain Significance.